The following is an entry in ClinVar:

NM_005334.3(HCFC1):c.4036G>A (p.Glu1346Lys)

Gene: HCFC1 (host cell factor C1; minus strand). Cytogenetic location: Xq28.
Variant type: single nucleotide variant.
Coding change: c.4036G>A on transcript NM_005334.3 (MANE Select); coding-DNA position 4036, G replaced by A.
Protein change: p.Glu1346Lys; replaces glutamic acid 1346 with lysine.
Molecular consequence: missense variant.
Genome position (GRCh38, 1-based): chrX:153,954,363, C>T on the plus strand (G>A on the coding strand, the complement: HCFC1 is on the minus strand). VCF-style: chrX-153954363-C-T. GRCh37 (hg19) VCF-style: chrX-153219814-C-T.
Other names: c.4036G>A, p.Glu1346Lys (NM_001410705.1); short protein forms E1346K.
Identifiers: ClinVar variation 2241323 (VCV002241323.2), dbSNP rs2065348410, ClinGen allele CA415118001.

ClinVar aggregate classification (germline): Uncertain significance (1 of 4 stars; one submission).

Conditions:
Inborn genetic diseases. Identifiers: MedGen C0950123, MeSH D030342.

Allele frequency attached by ClinVar (database versions not stated): gnomAD exomes below 0.00001; gnomAD 0.00001.
gnomAD v4.1: 3 of 1,200,276 alleles (0.00025%); highest among the groups gnomAD compares: Admixed American, 0.0022%; no homozygotes.

Submission:

Ambry Genetics
Classification: Uncertain significance for Inborn genetic diseases. Last evaluated: 2021-08-16. Review status: criteria provided, single submitter. Criteria: Ambry Variant Classification Scheme 2023. Collection method: clinical testing. Allele origin: germline.
Comment: The c.4036G>A (p.E1346K) alteration is located in exon 17 (coding exon 17) of the HCFC1 gene. This alteration results from a G to A substitution at nucleotide position 4036, causing the glutamic acid (E) at amino acid position 1346 to be replaced by a lysine (K). This variant was not reported in population-based cohorts in the Genome Aggregation Database (gnomAD). This amino acid position is well conserved in available vertebrate species. This alteration is predicted to be tolerated by in silico analysis. Based on insufficient or conflicting evidence, the clinical significance of this alteration remains unclear.